The following is an entry in ClinVar:

NM_033026.6(PCLO):c.11818G>T (p.Val3940Phe)

Gene: PCLO (piccolo presynaptic cytomatrix protein; minus strand). Cytogenetic location: 7q21.11.
Variant type: single nucleotide variant.
Coding change: c.11818G>T on transcript NM_033026.6 (MANE Select); coding-DNA position 11818, G replaced by T.
Protein change: p.Val3940Phe; replaces valine 3940 with phenylalanine.
Molecular consequence: missense variant.
Genome position (GRCh38, 1-based): chr7:82,916,168, C>A on the plus strand (G>T on the coding strand, the complement: PCLO is on the minus strand). VCF-style: chr7-82916168-C-A. GRCh37 (hg19) VCF-style: chr7-82545484-C-A.
Other names: c.11818G>T, p.Val3940Phe (NM_014510.3); short protein forms V3940F.
Identifiers: ClinVar variation 1399681 (VCV001399681.6), dbSNP rs763593233, ClinGen allele CA4319498.

ClinVar aggregate classification (germline): Uncertain significance (1 of 4 stars; one submission).

Allele frequency attached by ClinVar (database versions not stated): gnomAD exomes 0.00001; ExAC 0.00002.
gnomAD v4.1: 2 of 1,613,528 alleles (0.00012%); highest among the groups gnomAD compares: Non-Finnish European, 0.00017%; 1 homozygote.

Submission:

Labcorp Genetics (formerly Invitae), Labcorp
Classification: Uncertain significance. Last evaluated: 2021-10-23. Review status: criteria provided, single submitter. Criteria: Invitae Variant Classification Sherloc (09022015). Collection method: clinical testing. Allele origin: germline.
Comment: In summary, the available evidence is currently insufficient to determine the role of this variant in disease. Therefore, it has been classified as a Variant of Uncertain Significance. Algorithms developed to predict the effect of missense changes on protein structure and function are either unavailable or do not agree on the potential impact of this missense change (SIFT: "Deleterious"; PolyPhen-2: "Not Available"; Align-GVGD: "Class C0"). This variant has not been reported in the literature in individuals affected with PCLO-related conditions. The frequency data for this variant in the population databases is considered unreliable, as metrics indicate poor data quality at this position in the ExAC database. This sequence change replaces valine with phenylalanine at codon 3940 of the PCLO protein (p.Val3940Phe). The valine residue is weakly conserved and there is a small physicochemical difference between valine and phenylalanine.